The following is an entry in ClinVar:

ClinVar aggregate classification (germline): Benign. Review status: criteria provided, multiple submitters, no conflicts (2 of 4 stars). 2 submissions from 2 submitters: Benign (2). Last evaluated 2026-02-03.

Allele frequency attached by ClinVar (database versions not stated): gnomAD 0.10020 and 0.10482; TOPMed 0.11251; 1000 Genomes Project 30x 0.11633; gnomAD exomes 0.03574 and 0.04810; ExAC 0.05315; ESP Exome Variant Server 0.11341; 1000 Genomes Project 0.11102.

Submissions (2):

Labcorp Genetics (formerly Invitae), Labcorp
Classification: Benign. Last evaluated: 2026-02-03. Review status: criteria provided, single submitter. Criteria: Invitae Variant Classification Sherloc (09022015). Collection method: clinical testing. Allele origin: germline.

GeneDx
Classification: Benign. Last evaluated: 2012-04-03. Review status: criteria provided, single submitter. Criteria: GeneDx Variant Classification (06012015). Collection method: clinical testing. Allele origin: germline. Affected: yes.
Comment: This variant is considered likely benign or benign based on one or more of the following criteria: it is a conservative change, it occurs at a poorly conserved position in the protein, it is predicted to be benign by multiple in silico algorithms, and/or has population frequency not consistent with disease.

NM_020745.4(AARS2):c.1015= (p.Ile339=)

Gene: AARS2 (alanyl-tRNA synthetase 2, mitochondrial; minus strand). Cytogenetic location: 6p21.1.
Variant type: single nucleotide variant.
Coding change: c.1015= on transcript NM_020745.4 (MANE Select); coding-DNA position 1015, no change from the reference sequence.
Protein change: p.Ile339=; no amino-acid change (isoleucine 339 retained).
Molecular consequence: no sequence alteration.
Genome position: GRCh38 VCF-style: chr6-44307274-T-T. GRCh37 (hg19) VCF-style: chr6-44275011-T-T.
Other names: p.V339I:GTC>ATC.
Identifiers: ClinVar variation 136227 (VCV000136227.12), dbSNP rs324136.